The following is an entry in ClinVar:

NM_001035.3(RYR2):c.6627G>A (p.Gln2209=)

Gene: RYR2 (ryanodine receptor 2; plus strand). Cytogenetic location: 1q43.
Variant type: single nucleotide variant.
Coding change: c.6627G>A on transcript NM_001035.3 (MANE Select); coding-DNA position 6627, G replaced by A.
Protein change: p.Gln2209=; no amino-acid change (glutamine 2209 retained).
Molecular consequence: synonymous variant.
Genome position (GRCh38, 1-based): chr1:237,633,649, G>A. VCF-style: chr1-237633649-G-A. GRCh37 (hg19) VCF-style: chr1-237796949-G-A.
Other names: c.6627G>A, p.Gln2209= (LRG_402t1).
Identifiers: ClinVar variation 412829 (VCV000412829.17), dbSNP rs373686520, ClinGen allele CA087158.

ClinVar aggregate classification (germline): Likely benign. Review status: criteria provided, multiple submitters, no conflicts (2 of 4 stars). 5 submissions from 5 submitters: Likely benign (5). Last evaluated 2025-08-31.

Conditions:
Cardiovascular phenotype. Identifiers: MedGen CN230736.
Catecholaminergic polymorphic ventricular tachycardia (CVPT). Also called: Catecholamine-induced polymorphic ventricular tachycardia. Identifiers: Orphanet 3286, MedGen C5574922, MONDO:0017990.
Cardiomyopathy (CMYO). Also called: Cardiomyopathies. Identifiers: Orphanet 167848, MedGen C0878544, MONDO:0004994, HP:0001638. Inheritance: Various modes of inheritance.
Catecholaminergic polymorphic ventricular tachycardia 1. Also called: VENTRICULAR TACHYCARDIA, STRESS-INDUCED POLYMORPHIC 1; RYR2-Related Catecholaminergic Polymorphic Ventricular Tachycardia; VENTRICULAR TACHYCARDIA, CATECHOLAMINERGIC POLYMORPHIC, 1, WITH OR WITHOUT ATRIAL DYSFUNCTION AND/OR DILATED CARDIOMYOPATHY. Identifiers: Orphanet 3286, MedGen C1631597, MONDO:0011484, OMIM 604772.

Allele frequency attached by ClinVar (database versions not stated): gnomAD exomes 0.00001 and 0.00002; ExAC 0.00002; gnomAD 0.00003; TOPMed 0.00003; ESP Exome Variant Server 0.00008.
gnomAD v4.1: 22 of 1,613,724 alleles (0.0014%); highest among the groups gnomAD compares: Non-Finnish European, 0.0017%; no homozygotes.

Submissions (5):

Labcorp Genetics (formerly Invitae), Labcorp
Classification: Likely benign for Catecholaminergic polymorphic ventricular tachycardia 1. Last evaluated: 2025-08-31. Review status: criteria provided, single submitter. Criteria: Invitae Variant Classification Sherloc (09022015). Collection method: clinical testing. Allele origin: germline.

Women's Health and Genetics/Laboratory Corporation of America, LabCorp
Classification: Likely benign. Last evaluated: 2024-12-24. Review status: criteria provided, single submitter. Criteria: LabCorp Variant Classification Summary - May 2015. Collection method: clinical testing. Allele origin: germline.

All of Us Research Program, National Institutes of Health
Classification: Likely benign for Catecholaminergic polymorphic ventricular tachycardia. Last evaluated: 2023-11-30. Review status: criteria provided, single submitter. Criteria: ACMG Guidelines, 2015. Collection method: clinical testing. Allele origin: germline. Inheritance: Autosomal dominant inheritance. Observed: 7 variant alleles, 7 heterozygotes.
Comment: This study involves interpretation of variants in research participants for the purpose of population health screening. Participant phenotype was not available at the time of variant classification. Additional details can be found in publication PMID: 35346344, PMCID: PMC8962531

Color Diagnostics, LLC DBA Color Health
Classification: Likely benign for Cardiomyopathy. Last evaluated: 2022-11-06. Review status: criteria provided, single submitter. Criteria: ACMG Guidelines, 2015. Collection method: clinical testing. Allele origin: germline.

Ambry Genetics
Classification: Likely benign for Cardiovascular phenotype. Last evaluated: 2019-02-08. Review status: criteria provided, single submitter. Criteria: Ambry Variant Classification Scheme 2023. Collection method: clinical testing. Allele origin: germline.